The following is an entry in ClinVar:

ClinVar aggregate classification (germline): Uncertain significance (1 of 4 stars; one submission).

Submission:

Labcorp Genetics (formerly Invitae), Labcorp
Classification: Uncertain significance. Last evaluated: 2024-12-16. Review status: criteria provided, single submitter. Criteria: Invitae Variant Classification Sherloc (09022015). Collection method: clinical testing. Allele origin: germline.
Comment: This sequence change replaces isoleucine, which is neutral and non-polar, with threonine, which is neutral and polar, at codon 549 of the CDH23 protein (p.Ile549Thr). This variant is not present in population databases (gnomAD no frequency). This variant has not been reported in the literature in individuals affected with CDH23-related conditions. ClinVar contains an entry for this variant (Variation ID: 2139700). Invitae Evidence Modeling of protein sequence and biophysical properties (such as structural, functional, and spatial information, amino acid conservation, physicochemical variation, residue mobility, and thermodynamic stability) has been performed for this missense variant. However, the output from this modeling did not meet the statistical confidence thresholds required to predict the impact of this variant on CDH23 protein function. In summary, the available evidence is currently insufficient to determine the role of this variant in disease. Therefore, it has been classified as a Variant of Uncertain Significance.

NM_022124.6(CDH23):c.1646T>C (p.Ile549Thr)

Gene: CDH23 (cadherin related 23; plus strand). Cytogenetic location: 10q22.1.
Variant type: single nucleotide variant.
Coding change: c.1646T>C on transcript NM_022124.6 (MANE Select); coding-DNA position 1646, T replaced by C.
Protein change: p.Ile549Thr; replaces isoleucine 549 with threonine.
Molecular consequence: missense variant.
Genome position (GRCh38, 1-based): chr10:71,677,587, T>C. VCF-style: chr10-71677587-T-C. GRCh37 (hg19) VCF-style: chr10-73437344-T-C.
Other names: c.1646T>C, p.Ile549Thr (NM_001171930.2, NM_001171931.2); short protein forms I549T.
Identifiers: ClinVar variation 2139700 (VCV002139700.4), dbSNP rs2493938514, ClinGen allele CA377130502.
Genomic context (GRCh38, chr10:71,677,587, plus strand): 5'-TCACCCTGACGATCATTGCCCGGGACGGGGGCGGCGAGGAGACCACAGGCCGGGTCAGGA[T>C]CAATGTGTTGGATGTCAACGACAACGTGCCCACCTTCCAGAAGGATGCCTACGTGGGTGC-3'
Protein context (NP_071407.4, residues 539-559): GGEETTGRVR[Ile549Thr]NVLDVNDNVP